The following is an entry in ClinVar:

NM_001378778.1(MPDZ):c.5013_5014del (p.Trp1672fs)

Gene: MPDZ (multiple PDZ domain crumbs cell polarity complex component; minus strand). Cytogenetic location: 9p23.
Variant type: Microsatellite.
Coding change: c.5013_5014del on transcript NM_001378778.1 (MANE Select); coding-DNA positions 5013 to 5014, 2 bases deleted (CT; older notation c.5013_5014delCT).
Protein change: p.Trp1672fs; shifts the reading frame from tryptophan 1672.
Molecular consequence: frameshift variant.
Genome position (GRCh38, 1-based): chr9:13,122,110-13,122,111, AG deleted on the plus strand (CT on the coding strand, the reverse complement: MPDZ is on the minus strand); deleting any 2 consecutive bases within chr9:13,122,110-13,122,113 gives the same sequence; the c. name uses the placement nearest the transcript's 3' end. VCF-style (leftmost placement, unchanged base first): chr9-13122109-CAG-C. GRCh37 (hg19) VCF-style: chr9-13122108-CAG-C.
Other names: c.4914_4915del, p.Trp1639fs (NM_001261406.2, NM_001261407.2, NM_001375416.1 and 3 more transcripts); c.5013_5014del, p.Trp1672fs (NM_001330637.2, NM_003829.5); c.5112_5113del, p.Trp1705fs (NM_001375413.1); c.4803_4804del, p.Trp1602fs (NM_001375420.1, NM_001375421.1, NM_001375422.1 and 4 more transcripts); c.4605_4606del, p.Trp1536fs (NM_001375427.1); short protein forms W1536fs, W1602fs, W1672fs, W1705fs, W1639fs.
Identifiers: ClinVar variation 2050675 (VCV002050675.4), dbSNP rs2538469417, ClinGen allele CA2580616154.
Genomic context (GRCh38, chr9:13,122,109, plus strand): 5'-TCTGTTAATTTTGAAGGTCAAAAACAGGCATTCTATACCTCTAAGATCTGATCTCCAGCC[CAG>C]AGTCTTCCATCTTTACATGCTGCTCCTTCTTCATAAACTTCATGGATAATAATGGCACCC-3'

ClinVar aggregate classification (germline): Pathogenic (1 of 4 stars; one submission).

Submission:

Labcorp Genetics (formerly Invitae), Labcorp
Classification: Pathogenic. Last evaluated: 2021-12-20. Review status: criteria provided, single submitter. Criteria: Invitae Variant Classification Sherloc (09022015). Collection method: clinical testing. Allele origin: germline.
Comment: For these reasons, this variant has been classified as Pathogenic. This variant has not been reported in the literature in individuals affected with MPDZ-related conditions. This variant is not present in population databases (gnomAD no frequency). This sequence change creates a premature translational stop signal (p.Trp1672Glyfs*12) in the MPDZ gene. It is expected to result in an absent or disrupted protein product. Loss-of-function variants in MPDZ are known to be pathogenic (PMID: 23240096, 28556411).

Literature cited by the submitters: PubMed 23240096; PubMed 28556411.